The following is an entry in ClinVar:

NM_000179.3(MSH6):c.2640_2641insAAA (p.Asp880_Gly881insLys)

Gene: MSH6 (mutS homolog 6; plus strand). Cytogenetic location: 2p16.3.
Variant type: Insertion.
Coding change: c.2640_2641insAAA on transcript NM_000179.3 (MANE Select); coding-DNA positions 2640 to 2641, AAA inserted.
Protein change: p.Asp880_Gly881insLys.
Molecular consequence: inframe insertion.
Genome position: GRCh38 VCF-style: chr2-47800623-T-TAAA. GRCh37 (hg19) VCF-style: chr2-48027762-T-TAAA.
Other names: c.2250_2251insAAA, p.Asp750_Gly751insLys (NM_001281492.2); c.1734_1735insAAA, p.Asp578_Gly579insLys (NM_001281493.2, NM_001281494.2).
Identifiers: ClinVar variation 584620 (VCV000584620.4), dbSNP rs1252374906, ClinGen allele CA532705511.

ClinVar aggregate classification (germline): Uncertain significance. Review status: criteria provided, multiple submitters, no conflicts (2 of 4 stars). 2 submissions from 2 submitters: Uncertain significance (2). Last evaluated 2024-09-23.

Conditions:
Lynch syndrome. Identifiers: Orphanet 144, MedGen C4552100, MONDO:0005835. Disease mechanism: loss of function.

Allele frequency attached by ClinVar (database versions not stated): gnomAD 0.00001; gnomAD exomes 0.00001 and 0.00003.

Submissions (2):

All of Us Research Program, National Institutes of Health
Classification: Uncertain significance for Lynch syndrome. Last evaluated: 2024-09-23. Review status: criteria provided, single submitter. Criteria: ACMG Guidelines, 2015. Collection method: clinical testing. Allele origin: germline. Inheritance: Autosomal dominant inheritance. Observed: 11 variant alleles, 11 heterozygotes.
Comment: This variant causes the insertion of three nucleotides in exon 4 of the MSH6 gene, resulting in the in-frame insertion of one amino acid in the MSH6 protein. To our knowledge, functional studies have not been reported for this variant. This variant has been reported in an individual affected with ovarian cancer (PMID: 26556299). This variant has been identified in 3/250486 chromosomes in the general population by the Genome Aggregation Database (gnomAD). The available evidence is insufficient to determine the role of this variant in disease conclusively. Therefore, this variant is classified as a Variant of Uncertain Significance.

This study involves interpretation of variants in research participants for the purpose of population health screening. Participant phenotype was not available at the time of variant classification. Additional details can be found in publication PMID: 35346344, PMCID: PMC8962531

Mendelics
Classification: Uncertain significance for Lynch syndrome. Last evaluated: 2018-07-02. Review status: criteria provided, single submitter. Criteria: Mendelics Assertion Criteria 2017. Collection method: clinical testing. Allele origin: unknown.

Literature cited by the submitters: PubMed 26556299 (cited by All of Us Research Program, National Institutes of Health).